The following is an entry in ClinVar:

ClinVar aggregate classification (germline): Benign/Likely benign. Review status: criteria provided, multiple submitters, no conflicts (2 of 4 stars). 5 submissions from 5 submitters: Benign (2); Likely benign (1). 2 of the submissions do not count toward it. Last evaluated 2025-12-01.

Allele frequency attached by ClinVar (database versions not stated): gnomAD 0.00004 and 0.00015; TOPMed 0.00006; 1000 Genomes Project 0.00020; gnomAD exomes 0.00030 and 0.00092; 1000 Genomes Project 30x 0.00078; ExAC 0.00315.
gnomAD v4.1: 428 of 1,533,596 alleles (0.028%); highest among the groups gnomAD compares: South Asian, 0.45%; 7 homozygotes.

Submissions (5):

CeGaT Center for Human Genetics Tuebingen
Classification: Likely benign. Last evaluated: 2025-12-01. Review status: criteria provided, single submitter. Criteria: CeGaT Center For Human Genetics Tuebingen Variant Classification Criteria Version 2. Collection method: clinical testing. Allele origin: germline. Affected: yes. Observed: 2 variant alleles.
Comment: MAGEL2: BP4, BP7

Labcorp Genetics (formerly Invitae), Labcorp
Classification: Benign. Last evaluated: 2025-04-21. Review status: criteria provided, single submitter. Criteria: Invitae Variant Classification Sherloc (09022015). Collection method: clinical testing. Allele origin: germline.

GeneDx
Classification: Benign. Last evaluated: 2021-02-19. Review status: criteria provided, single submitter. Criteria: GeneDx Variant Classification Process June 2021. Collection method: clinical testing. Allele origin: germline. Affected: yes.

Clinical Genetics DNA and cytogenetics Diagnostics Lab, Erasmus MC, Erasmus Medical Center
Classification: Likely benign. Review status: no assertion criteria provided. Collection method: clinical testing. Allele origin: germline. Affected: yes. Study: VKGL Data-share Consensus. Not counted in ClinVar's aggregate classification.

Clinical Genetics, Academic Medical Center
Classification: Likely benign. Review status: no assertion criteria provided. Collection method: clinical testing. Allele origin: germline. Affected: yes. Study: VKGL Data-share Consensus. Not counted in ClinVar's aggregate classification.

NM_019066.5(MAGEL2):c.273G>A (p.Pro91=)

Gene: MAGEL2 (MAGE family member L2; minus strand). Cytogenetic location: 15q11.2.
Variant type: single nucleotide variant.
Coding change: c.273G>A on transcript NM_019066.5 (MANE Select); coding-DNA position 273, G replaced by A.
Protein change: p.Pro91=; no amino-acid change (proline 91 retained).
Molecular consequence: synonymous variant.
Genome position (GRCh38, 1-based): chr15:23,647,470, C>T on the plus strand (G>A on the coding strand, the complement: MAGEL2 is on the minus strand). VCF-style: chr15-23647470-C-T. GRCh37 (hg19) VCF-style: chr15-23892617-C-T.
Identifiers: ClinVar variation 1228776 (VCV001228776.17), dbSNP rs374554976, ClinGen allele CA7430121.
Genomic context (GRCh38, chr15:23,647,470, plus strand): 5'-ATGCACCATCAGGACCCCGGGAGTCGGAGGCTTACCCATCGGGCCCCCCAGCGGGGGAGC[C>T]GGGACTATCGGGCCCCCTAGGGCAGGAGGCTGGGTCATCGGAACCACCGGGGCGGGCAGC-3'
Protein context (NP_061939.3, residues 81-101): QPPALGGPIV[Pro91=]APPLGGPMGK